The following is an entry in ClinVar:

NM_001161352.2(KCNMA1):c.3319G>A (p.Asp1107Asn)

Genes: KCNMA1 (potassium calcium-activated channel subfamily M alpha 1; minus strand), KCNMA1-AS1 (KCNMA1 antisense RNA 1; plus strand). Cytogenetic location: 10q22.3.
Variant type: single nucleotide variant.
Coding change: c.3319G>A on transcript NM_001161352.2 (MANE Select); coding-DNA position 3319, G replaced by A.
Protein change: p.Asp1107Asn; replaces aspartic acid 1107 with asparagine.
Molecular consequence: missense variant.
Genome position (GRCh38, 1-based): chr10:76,891,548, C>T on the plus strand (G>A on the coding strand, the complement: KCNMA1 is on the minus strand). VCF-style: chr10-76891548-C-T. GRCh37 (hg19) VCF-style: chr10-78651306-C-T.
Other names: c.3157G>A, p.Asp1053Asn (NM_001014797.3); c.3268G>A, p.Asp1090Asn (NM_001161353.2); c.2995G>A, p.Asp999Asn (NM_001271518.2); c.3235G>A, p.Asp1079Asn (NM_001271519.2); c.3154G>A, p.Asp1052Asn (NM_001322829.2, NM_001322836.2); c.3247G>A, p.Asp1083Asn (NM_001322830.2); c.3145G>A, p.Asp1049Asn (NM_001322832.2, NM_002247.4); c.3238G>A, p.Asp1080Asn (NM_001322835.2, NM_001322837.2); and 1 more; short protein forms D1049N, D1052N, D1083N, D1107N, D999N, D1053N, D1079N, D1080N.
Identifiers: ClinVar variation 939582 (VCV000939582.33), dbSNP rs1314238418, ClinGen allele CA377403331.

ClinVar aggregate classification (germline): Uncertain significance. Review status: criteria provided, multiple submitters, no conflicts (2 of 4 stars). 2 submissions from 2 submitters: Uncertain significance (2). Last evaluated 2025-03-30.

Conditions:
Generalized epilepsy-paroxysmal dyskinesia syndrome (PNKD3). Also called: Generalized epilepsy and paroxysmal dyskinesia; Paroxysmal nonkinesigenic dyskinesia, 3, with or without generalized epilepsy. Identifiers: Orphanet 79137, MedGen C5574945, MONDO:0012276, OMIM 609446.

Allele frequency attached by ClinVar (database versions not stated): TOPMed below 0.00001; gnomAD exomes 0.00001.
gnomAD v4.1: 21 of 1,613,588 alleles (0.0013%); highest among the groups gnomAD compares: East Asian, 0.0022%; no homozygotes.

Submissions (2):

Labcorp Genetics (formerly Invitae), Labcorp
Classification: Uncertain significance for Generalized epilepsy-paroxysmal dyskinesia syndrome. Last evaluated: 2025-03-30. Review status: criteria provided, single submitter. Criteria: Invitae Variant Classification Sherloc (09022015). Collection method: clinical testing. Allele origin: germline.
Comment: This sequence change replaces aspartic acid, which is acidic and polar, with asparagine, which is neutral and polar, at codon 1049 of the KCNMA1 protein (p.Asp1049Asn). This variant is present in population databases (no rsID available, gnomAD 0.003%). This variant has not been reported in the literature in individuals affected with KCNMA1-related conditions. ClinVar contains an entry for this variant (Variation ID: 939582). An algorithm developed to predict the effect of missense changes on protein structure and function (PolyPhen-2) suggests that this variant is likely to be disruptive. In summary, the available evidence is currently insufficient to determine the role of this variant in disease. Therefore, it has been classified as a Variant of Uncertain Significance.

CeGaT Center for Human Genetics Tuebingen
Classification: Uncertain significance. Last evaluated: 2023-10-01. Review status: criteria provided, single submitter. Criteria: CeGaT Center For Human Genetics Tuebingen Variant Classification Criteria Version 2. Collection method: clinical testing. Allele origin: germline. Affected: yes. Observed: 2 variant alleles.
Comment: KCNMA1: PM2, PP2